The following is an entry in ClinVar:

ClinVar aggregate classification (germline): Likely pathogenic (0 of 4 stars; one submission).

Conditions:
Autism spectrum disorder. Also called: Autism spectrum disorders. Identifiers: MedGen C1510586, MeSH D000067877, MONDO:0005258.

Submission:

Department of Medical Genetics, Capital Institute of Pediatrics
Classification: Likely pathogenic for Autism Spectrum Disorder. Last evaluated: 2024-07-03. Review status: no assertion criteria provided. Collection method: research. Allele origin: paternal. Affected: yes.
Comment: PVS1+PM2_Supporting

Literature cited by the submitters: PubMed 39419027.

NM_001039469.3(MARK2):c.235-2A>G

Gene: MARK2 (microtubule affinity regulating kinase 2; plus strand). Cytogenetic location: 11q13.1.
Variant type: single nucleotide variant.
Coding change: c.235-2A>G on transcript NM_001039469.3 (MANE Select); the canonical splice acceptor site of the intron before coding-DNA position 235, A replaced by G.
Molecular consequence: splice acceptor variant.
Genome position (GRCh38, 1-based): chr11:63,895,578, A>G. VCF-style: chr11-63895578-A-G. GRCh37 (hg19) VCF-style: chr11-63663050-A-G.
Other names: c.235-2A>G (NM_001163296.2, NM_004954.5, NM_001163297.2); c.136-2A>G (NM_017490.4).
Identifiers: ClinVar variation 3253633 (VCV003253633.2), dbSNP rs2539306245.